The following is an entry in ClinVar:

ClinVar aggregate classification (germline): Pathogenic (1 of 4 stars; one submission).

Conditions:
EPILEPSY, CHILDHOOD ABSENCE, SUSCEPTIBILITY TO, 2 (ECA2). Identifiers: Orphanet 64280, MedGen C1843244, OMIM 607681.
Febrile seizures, familial, 8 (FEB8). Also called: CONVULSIONS, FAMILIAL FEBRILE, 8. Identifiers: Orphanet 36387, MedGen C1969810, MONDO:0011891, OMIM 607681.

Submission:

Labcorp Genetics (formerly Invitae), Labcorp
Classification: Pathogenic for Febrile seizures, familial, 8; EPILEPSY, CHILDHOOD ABSENCE, SUSCEPTIBILITY TO, 2. Last evaluated: 2022-05-11. Review status: criteria provided, single submitter. Criteria: Invitae Variant Classification Sherloc (09022015). Collection method: clinical testing. Allele origin: germline.
Comment: This sequence change creates a premature translational stop signal (p.Asn129Thrfs*9) in the GABRG2 gene. It is expected to result in an absent or disrupted protein product. Loss-of-function variants in GABRG2 are known to be pathogenic (PMID: 22539854, 22750526, 24407264). This variant is not present in population databases (gnomAD no frequency). This variant has not been reported in the literature in individuals affected with GABRG2-related conditions. Algorithms developed to predict the effect of sequence changes on RNA splicing suggest that this variant may create or strengthen a splice site. For these reasons, this variant has been classified as Pathogenic.

Literature cited by the submitters: PubMed 22539854; PubMed 22750526; PubMed 24407264.

NM_198904.4(GABRG2):c.386del (p.Asn129fs)

Gene: GABRG2 (gamma-aminobutyric acid type A receptor subunit gamma2; plus strand). Cytogenetic location: 5q34.
Variant type: Deletion.
Coding change: c.386del on transcript NM_198904.4 (MANE Select); coding-DNA position 386, one base deleted (A; older notation c.386delA).
Protein change: p.Asn129fs; shifts the reading frame from asparagine 129.
Molecular consequence: frameshift variant. On other transcripts: intron variant (2).
Genome position (GRCh38, 1-based): chr5:162,097,696, A deleted; the last of 2 consecutive A bases (chr5:162,097,695-162,097,696); deleting either gives the same sequence. VCF-style (leftmost placement, unchanged base first): chr5-162097694-TA-T. GRCh37 (hg19) VCF-style: chr5-161524700-TA-T.
Other names: c.386del, p.Asn129fs (NM_001375340.1, NM_001375341.1, NM_001375342.1 and 4 more transcripts); c.-31-4del (NM_001375350.1, NM_001375348.1); c.377del, p.Asn126fs (NM_001375339.1); c.320del, p.Asn107fs (NM_001375345.1, NM_001375346.1); c.299del, p.Asn100fs (NM_001375347.1); c.101del, p.Asn34fs (NM_001375349.1); short protein forms N107fs, N129fs, N34fs, N100fs, N126fs.
Identifiers: ClinVar variation 1993170 (VCV001993170.4), dbSNP rs2532568752, ClinGen allele CA2580074000.